The following is an entry in ClinVar:

NM_001165963.4(SCN1A):c.3655T>A (p.Trp1219Arg)

Genes: SCN1A (sodium voltage-gated channel alpha subunit 1; minus strand), LOC102724058 (uncharacterized LOC102724058; plus strand). Cytogenetic location: 2q24.3.
Variant type: single nucleotide variant.
Coding change: c.3655T>A on transcript NM_001165963.4 (MANE Select); coding-DNA position 3655, T replaced by A.
Protein change: p.Trp1219Arg; replaces tryptophan 1219 with arginine.
Molecular consequence: missense variant. On other transcripts: non-coding transcript variant (1).
Genome position (GRCh38, 1-based): chr2:166,013,794, A>T on the plus strand (T>A on the coding strand, the complement: SCN1A is on the minus strand). VCF-style: chr2-166013794-A-T. GRCh37 (hg19) VCF-style: chr2-166870304-A-T.
Other names: c.3571T>A, p.Trp1191Arg (NM_001165964.3, NM_001353957.2, NM_001353958.2); c.3655T>A, p.Trp1219Arg (NM_001202435.3, NM_001353948.2); c.3622T>A, p.Trp1208Arg (NM_001353949.2, NM_001353950.2, NM_001353951.2 and 2 more transcripts); c.3619T>A, p.Trp1207Arg (NM_001353954.2, NM_001353955.2); c.3568T>A, p.Trp1190Arg (NM_001353960.2); c.1213T>A, p.Trp405Arg (NM_001353961.2); short protein forms W1219R, W1208R, W1207R, W1190R, W1191R, W405R.
Identifiers: ClinVar variation 461265 (VCV000461265.10), dbSNP rs1553532599, ClinGen allele CA349055968.
Genomic context (GRCh38, chr2:166,013,794, plus strand): 5'-TCTCACTCACCAGAGCACCACTACTAAGGAGAATCATGAAAACAATGAAGGTCTCAAACC[A>T]GTTATGTTCAACTATTCGGAAACACGTCCTTCTCAGGTTCCACCATTGTTTTCCTCTGCC-3'
Protein context (NP_001159435.1, residues 1209-1229): RTCFRIVEHN[Trp1219Arg]FETFIVFMIL

ClinVar aggregate classification (germline): Uncertain significance. Review status: criteria provided, multiple submitters, no conflicts (2 of 4 stars). 2 submissions from 2 submitters: Uncertain significance (2). Last evaluated 2026-02-24.

Conditions:
Early-infantile DEE. Also called: Early infantile epileptic encephalopathy with suppression bursts; Ohtahara syndrome; Early infantile epileptic encephalopathy. Identifiers: Orphanet 1934, MedGen C0393706, MONDO:0800491.

Submissions (2):

GeneDx
Classification: Uncertain significance. Last evaluated: 2026-02-24. Review status: criteria provided, single submitter. Criteria: GeneDx Variant Classification Process June 2021. Collection method: clinical testing. Allele origin: germline.
Comment: Not observed at significant frequency in large population cohorts (gnomAD); In silico analysis supports that this missense variant has a deleterious effect on protein structure/function; In silico analysis supports a deleterious effect on splicing; This substitution is predicted to be within the cytoplasmic loop between the second and third homologous domains; Has not been previously published as pathogenic or benign to our knowledge

Labcorp Genetics (formerly Invitae), Labcorp
Classification: Uncertain significance for Early-infantile DEE. Last evaluated: 2022-04-01. Review status: criteria provided, single submitter. Criteria: Invitae Variant Classification Sherloc (09022015). Collection method: clinical testing. Allele origin: germline.
Comment: ClinVar contains an entry for this variant (Variation ID: 461265). In summary, the available evidence is currently insufficient to determine the role of this variant in disease. Therefore, it has been classified as a Variant of Uncertain Significance. Algorithms developed to predict the effect of sequence changes on RNA splicing suggest that this variant may disrupt the consensus splice site. Advanced modeling of protein sequence and biophysical properties (such as structural, functional, and spatial information, amino acid conservation, physicochemical variation, residue mobility, and thermodynamic stability) performed at Invitae indicates that this missense variant is expected to disrupt SCN1A protein function. This variant has not been reported in the literature in individuals affected with SCN1A-related conditions. This variant is not present in population databases (gnomAD no frequency). This sequence change replaces tryptophan, which is neutral and slightly polar, with arginine, which is basic and polar, at codon 1219 of the SCN1A protein (p.Trp1219Arg).